The following is an entry in ClinVar:

ClinVar aggregate classification (germline): Likely pathogenic (1 of 4 stars; one submission).

Conditions:
Sotos syndrome (SOTOS). Also called: CEREBRAL GIGANTISM; Sotos' syndrome; CHROMOSOME 5q35 DELETION SYNDROME; SOTOS SYNDROME 1; Distinctive facial appearance, overgrowth in childhood, and learning disabilities or delayed development. Identifiers: Orphanet 821, MedGen C0175695, MONDO:0019349, OMIM 117550.

Submission:

Institute of Human Genetics, University of Goettingen
Classification: Likely pathogenic for Sotos syndrome. Last evaluated: 2020-10-20. Review status: criteria provided, single submitter. Criteria: ACMG Guidelines, 2015. Collection method: clinical testing. Allele origin: unknown. Inheritance: Autosomal dominant inheritance. Affected: yes. Observed: 1 variant allele, 1 heterozygote.
Comment: ACMG criteria used for classification: PVS1, PM2

NM_022455.5(NSD1):c.3686C>G (p.Ser1229Ter)

Gene: NSD1 (nuclear receptor binding SET domain protein 1; plus strand). Cytogenetic location: 5q35.3.
Variant type: single nucleotide variant.
Coding change: c.3686C>G on transcript NM_022455.5 (MANE Select); coding-DNA position 3686, C replaced by G.
Protein change: p.Ser1229Ter; replaces serine 1229 with a stop codon.
Molecular consequence: nonsense.
Genome position (GRCh38, 1-based): chr5:177,212,085, C>G. VCF-style: chr5-177212085-C-G. GRCh37 (hg19) VCF-style: chr5-176639086-C-G.
Other names: c.2813C>G, p.Ser938Ter (NM_001365684.2, NM_001409306.1, NM_001409307.1 and 3 more transcripts); c.3686C>G, p.Ser1229Ter (NM_001409301.1, NM_001409302.1, NM_001409303.1); c.3266C>G, p.Ser1089Ter (NM_001409304.1); c.2933C>G, p.Ser978Ter (NM_001409305.1); short protein forms S1229*, S960*, S1089*, S938*, S978*.
Identifiers: ClinVar variation 981651 (VCV000981651.4), dbSNP rs1763389239, ClinGen allele CA362327094.